The following is an entry in ClinVar:

NM_001267550.2(TTN):c.3913G>C (p.Gly1305Arg)

Genes: TTN (titin; minus strand), LOC101927055 (uncharacterized LOC101927055; plus strand). Cytogenetic location: 2q31.2.
Variant type: single nucleotide variant.
Coding change: c.3913G>C on transcript NM_001267550.2 (MANE Select); coding-DNA position 3913, G replaced by C.
Protein change: p.Gly1305Arg; replaces glycine 1305 with arginine.
Molecular consequence: missense variant.
Genome position (GRCh38, 1-based): chr2:178,779,279, C>G on the plus strand (G>C on the coding strand, the complement: TTN is on the minus strand). VCF-style: chr2-178779279-C-G. GRCh37 (hg19) VCF-style: chr2-179644006-C-G.
Other names: c.3913G>C, p.Gly1305Arg (NM_001256850.1, NM_133378.4, NM_133379.5); c.3775G>C, p.Gly1259Arg (NM_003319.4, NM_133432.3, NM_133437.4); short protein forms G1259R, G1305R.
Identifiers: ClinVar variation 1678767 (VCV001678767.2), dbSNP rs199889888, ClinGen allele CA2005448.
Genomic context (GRCh38, chr2:178,779,279, plus strand): 5'-TATATTTTACCTTTGGTAATGGATATCCAGACATCTTGCAATGAAAAGTGACACCCATCC[C>G]CTCAAGAATTCTATAATTCTTGATTCTTGAATCAAATCCTGATTCAACAGCTTCAGATTC-3'
Protein context (NP_001254479.2, residues 1295-1315): SRIKNYRILE[Gly1305Arg]MGVTFHCKMS

ClinVar aggregate classification (germline): Likely benign (1 of 4 stars; one submission).

Submission:

GeneDx
Classification: Likely benign. Last evaluated: 2020-09-28. Review status: criteria provided, single submitter. Criteria: GeneDx Variant Classification Process June 2021. Collection method: clinical testing. Allele origin: germline. Affected: yes.
Comment: See Variant Classification Assertion Criteria.